The following is an entry in ClinVar:

NM_006420.3(ARFGEF2):c.3112C>T (p.Leu1038Phe)

Gene: ARFGEF2 (ARF guanine nucleotide exchange factor 2; plus strand). Cytogenetic location: 20q13.13.
Variant type: single nucleotide variant.
Coding change: c.3112C>T on transcript NM_006420.3 (MANE Select); coding-DNA position 3112, C replaced by T.
Protein change: p.Leu1038Phe; replaces leucine 1038 with phenylalanine.
Molecular consequence: missense variant.
Genome position (GRCh38, 1-based): chr20:48,994,589, C>T. VCF-style: chr20-48994589-C-T. GRCh37 (hg19) VCF-style: chr20-47611126-C-T.
Other names: short protein forms L1038F.
Identifiers: ClinVar variation 434284 (VCV000434284.7), dbSNP rs766069204, ClinGen allele CA9898821.

ClinVar aggregate classification (germline): Uncertain significance. Review status: criteria provided, multiple submitters, no conflicts (2 of 4 stars). 2 submissions from 2 submitters: Uncertain significance (2). Last evaluated 2022-08-19.

Allele frequency attached by ClinVar (database versions not stated): TOPMed 0.00001; gnomAD 0.00002; gnomAD exomes 0.00003 and 0.00008; ExAC 0.00012.
gnomAD v4.1: 50 of 1,613,690 alleles (0.0031%); highest among the groups gnomAD compares: Non-Finnish European, 0.0037%; no homozygotes.

Submissions (2):

Labcorp Genetics (formerly Invitae), Labcorp
Classification: Uncertain significance. Last evaluated: 2022-08-19. Review status: criteria provided, single submitter. Criteria: Invitae Variant Classification Sherloc (09022015). Collection method: clinical testing. Allele origin: germline.
Comment: This sequence change replaces leucine, which is neutral and non-polar, with phenylalanine, which is neutral and non-polar, at codon 1038 of the ARFGEF2 protein (p.Leu1038Phe). This variant is present in population databases (rs766069204, gnomAD 0.01%). This variant has not been reported in the literature in individuals affected with ARFGEF2-related conditions. ClinVar contains an entry for this variant (Variation ID: 434284). Algorithms developed to predict the effect of missense changes on protein structure and function are either unavailable or do not agree on the potential impact of this missense change (SIFT: "Deleterious"; PolyPhen-2: "Benign"; Align-GVGD: "Class C0"). In summary, the available evidence is currently insufficient to determine the role of this variant in disease. Therefore, it has been classified as a Variant of Uncertain Significance.

Genetic Services Laboratory, University of Chicago
Classification: Uncertain significance. Last evaluated: 2017-02-20. Review status: criteria provided, single submitter. Criteria: ACMG Guidelines, 2015. Collection method: clinical testing. Allele origin: germline. Affected: no.